The following is an entry in ClinVar:

ClinVar aggregate classification (germline): Uncertain significance (1 of 4 stars; one submission).

Conditions:
Baller-Gerold syndrome (BGS). Also called: CRANIOSYNOSTOSIS WITH RADIAL DEFECTS. Identifiers: Orphanet 1225, MedGen C0265308, MONDO:0009039, OMIM 218600.

Allele frequency attached by ClinVar (database versions not stated): gnomAD 0.00001; TOPMed 0.00001.
gnomAD v4.1: 1 of 1,609,698 alleles (0.000062%); highest among the groups gnomAD compares: Non-Finnish European, 0.000085%; no homozygotes.

Submission:

Labcorp Genetics (formerly Invitae), Labcorp
Classification: Uncertain significance for Baller-Gerold syndrome. Last evaluated: 2025-08-07. Review status: criteria provided, single submitter. Criteria: Invitae Variant Classification Sherloc (09022015). Collection method: clinical testing. Allele origin: germline.
Comment: This sequence change affects codon 377 of the RECQL4 mRNA. It is a 'silent' change, meaning that it does not change the encoded amino acid sequence of the RECQL4 protein. This variant also falls at the last nucleotide of exon 5, which is part of the consensus splice site for this exon. This variant is not present in population databases (gnomAD no frequency). This variant has not been reported in the literature in individuals affected with RECQL4-related conditions. ClinVar contains an entry for this variant (Variation ID: 565509). Variants that disrupt the consensus splice site are a relatively common cause of aberrant splicing (PMID: 17576681, 9536098). Algorithms developed to predict the effect of sequence changes on RNA splicing suggest that this variant is not likely to affect RNA splicing. In summary, the available evidence is currently insufficient to determine the role of this variant in disease. Therefore, it has been classified as a Variant of Uncertain Significance.

Literature cited by the submitters: PubMed 17576681; PubMed 9536098.

NM_004260.4(RECQL4):c.1131G>A (p.Gln377=)

Gene: RECQL4 (RecQ like helicase 4; minus strand). Cytogenetic location: 8q24.3.
Variant type: single nucleotide variant.
Coding change: c.1131G>A on transcript NM_004260.4 (MANE Select); coding-DNA position 1131, G replaced by A.
Protein change: p.Gln377=; no amino-acid change (glutamine 377 retained).
Molecular consequence: synonymous variant.
Genome position (GRCh38, 1-based): chr8:144,515,988, C>T on the plus strand (G>A on the coding strand, the complement: RECQL4 is on the minus strand). VCF-style: chr8-144515988-C-T. GRCh37 (hg19) VCF-style: chr8-145741372-C-T.
Identifiers: ClinVar variation 565509 (VCV000565509.6), dbSNP rs911864123, ClinGen allele CA187688251.